The following is an entry in ClinVar:

ClinVar aggregate classification (germline): Pathogenic/Likely pathogenic. Review status: criteria provided, multiple submitters, no conflicts (2 of 4 stars). 2 submissions from 2 submitters: Pathogenic (1); Likely pathogenic (1). Last evaluated 2023-09-27.

Conditions:
Ichthyosis vulgaris. Also called: Dominant ichthyosis vulgaris; ICHTHYOSIS SIMPLEX. Identifiers: MedGen C0079584, MONDO:0024304, OMIM 146700.

Allele frequency attached by ClinVar (database versions not stated): 1000 Genomes Project 30x 0.00016; 1000 Genomes Project 0.00020.
gnomAD v4.1: 56 of 1,613,978 alleles (0.0035%); highest among the groups gnomAD compares: South Asian, 0.058%; no homozygotes.

Submissions (2):

GeneDx
Classification: Pathogenic. Last evaluated: 2023-09-27. Review status: criteria provided, single submitter. Criteria: GeneDx Variant Classification Process June 2021. Collection method: clinical testing. Allele origin: germline. Affected: yes.
Comment: Nonsense variant predicted to result in protein truncation, as the last 3333 amino acids are lost, and other loss-of-function variants have been reported downstream in HGMD; Has not been previously published as pathogenic or benign to our knowledge

Genetics and Genomic Medicine Centre, NeuroGen Healthcare, NeuroGen Healthcare
Classification: Likely pathogenic for Ichthyosis vulgaris. Last evaluated: 2021-12-15. Review status: criteria provided, single submitter. Criteria: Submitter's publication. Collection method: clinical testing. Allele origin: unknown. Affected: no.

NM_002016.2(FLG):c.2185C>T (p.Gln729Ter)

Genes: CCDST (cervical cancer associated DHX9 suppressive transcript; plus strand), FLG (filaggrin; minus strand). Cytogenetic location: 1q21.3.
Variant type: single nucleotide variant.
Coding change: c.2185C>T on transcript NM_002016.2 (MANE Select); coding-DNA position 2185, C replaced by T.
Protein change: p.Gln729Ter; replaces glutamine 729 with a stop codon.
Molecular consequence: nonsense.
Genome position (GRCh38, 1-based): chr1:152,312,701, G>A on the plus strand (C>T on the coding strand, the complement: FLG is on the minus strand). VCF-style: chr1-152312701-G-A. GRCh37 (hg19) VCF-style: chr1-152285177-G-A.
Other names: short protein forms Q729*.
Identifiers: ClinVar variation 3253026 (VCV003253026.3), dbSNP rs545979921.